The following is an entry in ClinVar:

NM_006393.3(NEBL):c.2658_2675del (p.Ser887_Gly892del)

Gene: NEBL (nebulette; minus strand). Cytogenetic location: 10p12.31.
Variant type: Deletion.
Coding change: c.2658_2675del on transcript NM_006393.3 (MANE Select); coding-DNA positions 2658 to 2675, 18 bases deleted (CAGTACTTTCGGTACAGG).
Protein change: p.Ser887_Gly892del.
Molecular consequence: intron variant (on NM_001377326.1).
Genome position (GRCh38, 1-based): chr10:20,808,596-20,808,613, CCTGTACCGAAAGTACTG deleted on the plus strand (CAGTACTTTCGGTACAGG on the coding strand, the reverse complement: NEBL is on the minus strand); deleting any 18 consecutive bases within chr10:20,808,596-20,808,614 gives the same sequence; the c. name uses the placement nearest the transcript's 3' end. VCF-style (leftmost placement, unchanged base first): chr10-20808595-ACCTGTACCGAAAGTACTG-A. GRCh37 (hg19) VCF-style: chr10-21097524-ACCTGTACCGAAAGTACTG-A.
Other names: c.421+4156_421+4173del (NM_001377326.1, NM_001377327.1, NM_001377328.1); c.529+4156_529+4173del (NM_213569.2, NM_001173484.2); c.622+1193_622+1210del (NM_001377322.1); c.472+4156_472+4173del (NM_001377324.1); c.463+4156_463+4173del (NM_001377325.1); c.481+4156_481+4173del (NM_001377323.1).
Identifiers: ClinVar variation 4807167 (VCV004807167.1).

ClinVar aggregate classification (germline): Uncertain significance (1 of 4 stars; one submission).

Conditions:
Primary dilated cardiomyopathy (DCM). Also called: Dilated Cardiomyopathy. Identifiers: Orphanet 217604, MedGen C0007193, MeSH D002311, MONDO:0005021, HP:0001644. Inheritance: Various modes of inheritance.

Submission:

Labcorp Genetics (formerly Invitae), Labcorp
Classification: Uncertain significance for Primary dilated cardiomyopathy. Last evaluated: 2025-10-21. Review status: criteria provided, single submitter. Criteria: Invitae Variant Classification Sherloc (09022015). Collection method: clinical testing. Allele origin: germline.
Comment: This variant, c.2658_2675del, results in the deletion of 6 amino acid(s) of the NEBL protein (p.Ser887_Gly892del), but otherwise preserves the integrity of the reading frame. This variant is not present in population databases (gnomAD no frequency). This variant has not been reported in the literature in individuals affected with NEBL-related conditions. In summary, the available evidence is currently insufficient to determine the role of this variant in disease. Therefore, it has been classified as a Variant of Uncertain Significance.